The following is an entry in ClinVar:

NM_001243925.2(MAPKAPK3):c.688G>A (p.Val230Ile)

Gene: MAPKAPK3 (MAPK activated protein kinase 3; plus strand). Cytogenetic location: 3p21.2.
Variant type: single nucleotide variant.
Coding change: c.688G>A on transcript NM_001243925.2 (MANE Select); coding-DNA position 688, G replaced by A.
Protein change: p.Val230Ile; replaces valine 230 with isoleucine.
Molecular consequence: missense variant.
Genome position (GRCh38, 1-based): chr3:50,645,769, G>A. VCF-style: chr3-50645769-G-A. GRCh37 (hg19) VCF-style: chr3-50683200-G-A.
Other names: c.688G>A, p.Val230Ile (NM_001243926.2, NM_004635.5); short protein forms V230I.
Identifiers: ClinVar variation 1404126 (VCV001404126.8), dbSNP rs778530686, ClinGen allele CA2420332.
Genomic context (GRCh38, chr3:50,645,769, plus strand): 5'-GCCCCTGAGGTCCTGGGTCCAGAGAAGTATGACAAGTCATGTGACATGTGGTCCCTGGGT[G>A]TCATCATGTACATCCTGTGAGTACCTTCCCCACCCCCTGCCTCCATCTCCTGCCCTTACC-3'
Protein context (NP_001230854.1, residues 220-240): DKSCDMWSLG[Val230Ile]IMYILLCGFP

ClinVar aggregate classification (germline): Uncertain significance (1 of 4 stars; one submission).

Allele frequency attached by ClinVar (database versions not stated): gnomAD exomes below 0.00001 and 0.00001; ExAC 0.00001; gnomAD 0.00001; TOPMed 0.00002.
gnomAD v4.1: 6 of 1,613,996 alleles (0.00037%); highest among the groups gnomAD compares: Non-Finnish European, 0.00051%; no homozygotes.

Submission:

Labcorp Genetics (formerly Invitae), Labcorp
Classification: Uncertain significance. Last evaluated: 2021-06-28. Review status: criteria provided, single submitter. Criteria: Invitae Variant Classification Sherloc (09022015). Collection method: clinical testing. Allele origin: germline.
Comment: This sequence change replaces valine with isoleucine at codon 230 of the MAPKAPK3 protein (p.Val230Ile). The valine residue is highly conserved and there is a small physicochemical difference between valine and isoleucine. This variant is present in population databases (rs778530686, ExAC 0.001%). This variant has not been reported in the literature in individuals with MAPKAPK3-related conditions. Algorithms developed to predict the effect of missense changes on protein structure and function (SIFT, PolyPhen-2, Align-GVGD) all suggest that this variant is likely to be disruptive, but these predictions have not been confirmed by published functional studies and their clinical significance is uncertain. In summary, the available evidence is currently insufficient to determine the role of this variant in disease. Therefore, it has been classified as a Variant of Uncertain Significance.